The following is an entry in ClinVar:

ClinVar aggregate classification (germline): Uncertain significance (1 of 4 stars; one submission).

Submission:

GeneDx
Classification: Uncertain significance. Last evaluated: 2023-07-31. Review status: criteria provided, single submitter. Criteria: GeneDx Variant Classification Process June 2021. Collection method: clinical testing. Allele origin: germline. Affected: yes.
Comment: Not observed at significant frequency in large population cohorts (gnomAD); Nonsense variant predicted to result in protein truncation or nonsense mediated decay in a gene for which loss-of-function is not an established mechanism of disease; Has not been previously published as pathogenic or benign to our knowledge; Variants in candidate genes are classified as variants of uncertain significance in accordance with ACMG guidelines (Richards et al., 2015)

NM_001271803.2(REEP2):c.502C>T (p.Gln168Ter)

Gene: REEP2 (receptor accessory protein 2; plus strand). Cytogenetic location: 5q31.2.
Variant type: single nucleotide variant.
Coding change: c.502C>T on transcript NM_001271803.2 (MANE Select); coding-DNA position 502, C replaced by T.
Protein change: p.Gln168Ter; replaces glutamine 168 with a stop codon.
Molecular consequence: nonsense. On other transcripts: non-coding transcript variant (2).
Genome position (GRCh38, 1-based): chr5:138,445,312, C>T. VCF-style: chr5-138445312-C-T. GRCh37 (hg19) VCF-style: chr5-137781001-C-T.
Other names: c.496C>T, p.Gln166Ter (NM_016606.4); short protein forms Q166*, Q168*.
Identifiers: ClinVar variation 3901551 (VCV003901551.1).